The following is an entry in ClinVar:

ClinVar aggregate classification (germline): Likely pathogenic (1 of 4 stars; one submission).

Conditions:
Anterior segment dysgenesis 8 (ASGD8). Identifiers: Orphanet 519388, MedGen C4310622, MONDO:0015017, OMIM 617319.

Submission:

First Genomix Gene Laboratory, Genetic Diagnostics Department
Classification: Likely pathogenic for Anterior segment dysgenesis 8. Last evaluated: 2025-05-23. Review status: criteria provided, single submitter. Criteria: ACMG Guidelines, 2015. Collection method: clinical testing. Allele origin: germline. Inheritance: Autosomal recessive inheritance. Affected: no. Observed: 1 variant allele.

NM_015692.5(CPAMD8):c.2141del (p.Asp714fs)

Gene: CPAMD8 (C3 and PZP like alpha-2-macroglobulin domain containing 8; minus strand). Cytogenetic location: 19p13.11.
Variant type: Deletion.
Coding change: c.2141del on transcript NM_015692.5 (MANE Select); coding-DNA position 2141, one base deleted (A; older notation c.2141delA).
Protein change: p.Asp714fs; shifts the reading frame from aspartic acid 714.
Molecular consequence: frameshift variant. On other transcripts: non-coding transcript variant (1).
Genome position (GRCh38, 1-based): chr19:16,970,963, T deleted on the plus strand (A on the coding strand, the reverse complement: CPAMD8 is on the minus strand). VCF-style (leftmost placement, unchanged base first): chr19-16970962-AT-A. GRCh37 (hg19) VCF-style: chr19-17081772-AT-A.
Other names: short protein forms D714fs.
Identifiers: ClinVar variation 4849467 (VCV004849467.1).